The following is an entry in ClinVar:

NM_001283009.2(RTEL1):c.9G>C (p.Lys3Asn)

Genes: RTEL1 (regulator of telomere elongation helicase 1; plus strand), RTEL1-TNFRSF6B (RTEL1-TNFRSF6B readthrough (NMD candidate); plus strand). Cytogenetic location: 20q13.33.
Variant type: single nucleotide variant.
Coding change: c.9G>C on transcript NM_001283009.2 (MANE Select); coding-DNA position 9, G replaced by C.
Protein change: p.Lys3Asn; replaces lysine 3 with asparagine.
Molecular consequence: missense variant. On other transcripts: non-coding transcript variant (1), intron variant (1).
Genome position (GRCh38, 1-based): chr20:63,659,411, G>C. VCF-style: chr20-63659411-G-C. GRCh37 (hg19) VCF-style: chr20-62290764-G-C.
Other names: c.9G>C, p.Lys3Asn (NM_016434.4, NM_032957.5); c.-568+952G>C (NM_001283010.1); short protein forms K3N.
Identifiers: ClinVar variation 3757453 (VCV003757453.2).

ClinVar aggregate classification (germline): Uncertain significance (1 of 4 stars; one submission).

Conditions:
Pulmonary fibrosis and/or bone marrow failure, Telomere-related, 3. Also called: PULMONARY FIBROSIS AND/OR BONE MARROW FAILURE SYNDROME, TELOMERE-RELATED, 3. Identifiers: Orphanet 2032, MedGen C4225346, MONDO:0014613, OMIM 616373.
Dyskeratosis congenita, autosomal recessive 5 (DKCB5). Identifiers: MedGen C3554656, MONDO:0014076, OMIM 615190.

gnomAD v4.1: 1 of 1,613,800 alleles (0.000062%); highest among the groups gnomAD compares: Non-Finnish European, 0.000085%; no homozygotes.

Submission:

Labcorp Genetics (formerly Invitae), Labcorp
Classification: Uncertain significance for Dyskeratosis congenita, autosomal recessive 5; Pulmonary fibrosis and/or bone marrow failure, Telomere-related, 3. Last evaluated: 2024-07-30. Review status: criteria provided, single submitter. Criteria: Invitae Variant Classification Sherloc (09022015). Collection method: clinical testing. Allele origin: germline.
Comment: This sequence change replaces lysine, which is basic and polar, with asparagine, which is neutral and polar, at codon 3 of the RTEL1 protein (p.Lys3Asn). This variant is not present in population databases (gnomAD no frequency). This variant has not been reported in the literature in individuals affected with RTEL1-related conditions. An algorithm developed to predict the effect of missense changes on protein structure and function (PolyPhen-2) suggests that this variant is likely to be tolerated. In summary, the available evidence is currently insufficient to determine the role of this variant in disease. Therefore, it has been classified as a Variant of Uncertain Significance.